The following is an entry in ClinVar:

NM_001370259.2(MEN1):c.784-3T>C

Gene: MEN1 (menin 1; minus strand). Cytogenetic location: 11q13.1.
Variant type: single nucleotide variant.
Coding change: c.784-3T>C on transcript NM_001370259.2 (MANE Select); 3 bases into the intron before coding-DNA position 784, T replaced by C.
Molecular consequence: intron variant.
Genome position (GRCh38, 1-based): chr11:64,807,222, A>G on the plus strand (T>C on the coding strand, the complement: MEN1 is on the minus strand). VCF-style: chr11-64807222-A-G. GRCh37 (hg19) VCF-style: chr11-64574694-A-G.
Other names: c.799-3T>C (NM_130804.3, NM_130803.3, NM_000244.4 and 5 more transcripts); c.679-3T>C (NM_001407148.1, NM_001407149.1, NM_001407151.1 and 2 more transcripts); c.784-3T>C (NM_130799.3, NM_001407144.1, NM_001370260.2 and 7 more transcripts).
Identifiers: ClinVar variation 4758788 (VCV004758788.1).
Genomic context (GRCh38, chr11:64,807,222, plus strand): 5'-CACTTCCCTCTACTGACCTTTCCAGATGTCCCAGGTCATAGAGCAGCCAGAGCAGCTTCT[A>G]GGAGCCGAAGGAGAGAGTTATGAGCCACGGAACAGGGAGGAGAACGGGTCCTTAGCCTAT-3'

ClinVar aggregate classification (germline): Uncertain significance (1 of 4 stars; one submission).

Conditions:
Multiple endocrine neoplasia, type 1 (MEN1). Also called: Endocrine adenomatosis multiple; MEN 1; MEA I; MEN I; WERMER SYNDROME. Identifiers: Orphanet 652, MedGen C0025267, MeSH D018761, MONDO:0007540, OMIM 131100.

gnomAD v4.1: 1 of 1,612,916 alleles (0.000062%); highest among the groups gnomAD compares: Non-Finnish European, 0.000085%; no homozygotes.

Submission:

Color Diagnostics, LLC DBA Color Health
Classification: Uncertain significance for Multiple endocrine neoplasia, type 1. Last evaluated: 2025-06-18. Review status: criteria provided, single submitter. Criteria: ACMG Guidelines, 2015. Collection method: clinical testing. Allele origin: germline.
Comment: This variant causes a T to C nucleotide substitution at the -3 position of intron 4 of the MEN1 gene. To our knowledge, functional studies have not been reported for this variant. This variant has not been reported in individuals affected with MEN1-related disorders in the literature. This variant has not been identified in the general population by the Genome Aggregation Database (gnomAD). The available evidence is insufficient to determine the role of this variant in disease conclusively. Therefore, this variant is classified as a Variant of Uncertain Significance.